The following is an entry in ClinVar:

NM_000222.3(KIT):c.2601C>G (p.Ser867Arg)

Gene: KIT (KIT proto-oncogene, receptor tyrosine kinase; plus strand). Cytogenetic location: 4q12.
Variant type: single nucleotide variant.
Coding change: c.2601C>G on transcript NM_000222.3 (MANE Select); coding-DNA position 2601, C replaced by G.
Protein change: p.Ser867Arg; replaces serine 867 with arginine.
Molecular consequence: missense variant.
Genome position (GRCh38, 1-based): chr4:54,736,725, C>G. VCF-style: chr4-54736725-C-G. GRCh37 (hg19) VCF-style: chr4-55602891-C-G.
Other names: c.2589C>G, p.Ser863Arg (NM_001093772.2, NM_001385292.1); c.2604C>G, p.Ser868Arg (NM_001385284.1); c.2598C>G, p.Ser866Arg (NM_001385285.1); c.2586C>G, p.Ser862Arg (NM_001385286.1); c.2592C>G, p.Ser864Arg (NM_001385288.1); c.2601C>G, p.Ser867Arg (NM_001385290.1); short protein forms S867R, S863R, S862R, S864R, S866R, S868R.
Identifiers: ClinVar variation 409798 (VCV000409798.16), dbSNP rs143074839, ClinGen allele CA2923809.

ClinVar aggregate classification (germline): Conflicting classifications of pathogenicity. Review status: criteria provided, conflicting classifications (1 of 4 stars). 6 submissions from 6 submitters: Uncertain significance (5); Likely benign (1). Last evaluated 2026-06-01.

Conditions:
KIT-related disorder. Also called: KIT-related condition.
Hereditary cancer-predisposing syndrome. Also called: Neoplastic Syndromes, Hereditary; Tumor predisposition; Hereditary Cancer Syndrome; Hereditary neoplastic syndrome. Identifiers: Orphanet 140162, MedGen C0027672, MeSH D009386, MONDO:0015356.
Gastrointestinal stromal tumor. Also called: Gastrointestinal stroma tumor; Gastrointestinal stromal tumor, somatic. Identifiers: Orphanet 44890, MedGen C0238198, MeSH D046152, MONDO:0011719, OMIM 606764, HP:0100723.

Allele frequency attached by ClinVar (database versions not stated): TOPMed below 0.00001; gnomAD 0.00001; ESP Exome Variant Server 0.00015.
gnomAD v4.1: 16 of 1,613,836 alleles (0.00099%); highest among the groups gnomAD compares: Non-Finnish European, 0.0014%; no homozygotes.

Submissions (6):

Myriad Genetics, Inc.
Classification: Likely benign for Gastrointestinal stromal tumor. Last evaluated: 2026-06-01. Review status: criteria provided, single submitter. Criteria: Myriad Autosomal Dominant, Autosomal Recessive and X-Linked Classification Criteria (2023). Collection method: clinical testing. Allele origin: unknown.
Comment: This variant is considered likely benign. This variant has been observed at a population frequency that is significantly greater than expected given the associated disease prevalence and penetrance.

PreventionGenetics, part of Exact Sciences
Classification: Uncertain significance for KIT-related condition. Last evaluated: 2026-01-11. Review status: criteria provided, single submitter. Criteria: ACMG Guidelines, 2015. Collection method: clinical testing. Allele origin: germline.
Comment: The KIT c.2601C>G variant is predicted to result in the amino acid substitution p.Ser867Arg. To our knowledge, this variant has not been reported in the literature. This variant is reported in 0.0062% of alleles in individuals of African descent in gnomAD and is reported as uncertain in ClinVar (Variation ID: 409798). At this time, the clinical significance of this variant is uncertain due to the absence of conclusive functional and genetic evidence.

Labcorp Genetics (formerly Invitae), Labcorp
Classification: Uncertain significance for Gastrointestinal stromal tumor. Last evaluated: 2025-12-08. Review status: criteria provided, single submitter. Criteria: Invitae Variant Classification Sherloc (09022015). Collection method: clinical testing. Allele origin: germline.
Comment: This sequence change replaces serine, which is neutral and polar, with arginine, which is basic and polar, at codon 867 of the KIT protein (p.Ser867Arg). This variant is present in population databases (rs143074839, gnomAD 0.004%). This variant has not been reported in the literature in individuals affected with KIT-related conditions. ClinVar contains an entry for this variant (Variation ID: 409798). An algorithm developed to predict the effect of missense changes on protein structure and function (PolyPhen-2) suggests that this variant is likely to be disruptive. In summary, the available evidence is currently insufficient to determine the role of this variant in disease. Therefore, it has been classified as a Variant of Uncertain Significance.

Ambry Genetics
Classification: Uncertain significance for Hereditary cancer-predisposing syndrome. Last evaluated: 2025-03-11. Review status: criteria provided, single submitter. Criteria: Ambry Variant Classification Scheme 2023. Collection method: clinical testing. Allele origin: germline.
Comment: The p.S867R variant (also known as c.2601C>G), located in coding exon 19 of the KIT gene, results from a C to G substitution at nucleotide position 2601. The serine at codon 867 is replaced by arginine, an amino acid with dissimilar properties. This amino acid position is not well conserved in available vertebrate species. In addition, the in silico prediction for this alteration is inconclusive. Based on the available evidence, the clinical significance of this variant remains unclear.

Baylor Genetics
Classification: Uncertain significance for Gastrointestinal stromal tumor. Last evaluated: 2024-03-25. Review status: criteria provided, single submitter. Criteria: ACMG Guidelines, 2015. Collection method: clinical testing. Allele origin: unknown.

GeneDx
Classification: Uncertain significance. Last evaluated: 2023-12-04. Review status: criteria provided, single submitter. Criteria: GeneDx Variant Classification Process June 2021. Collection method: clinical testing. Allele origin: germline.
Comment: Not observed at significant frequency in large population cohorts (gnomAD); In silico analysis supports that this missense variant does not alter protein structure/function; Has not been previously published as pathogenic or benign to our knowledge